The following is an entry in ClinVar:

ClinVar aggregate classification (germline): Pathogenic (1 of 4 stars; one submission).

Conditions:
Developmental and epileptic encephalopathy 94 (DEE94). Also called: CHD2-Related Neurodevelopmental Disorders; Epileptic encephalopathy, childhood-onset. Identifiers: Orphanet 1942, Orphanet 2382, MedGen C3809278, MONDO:0014150, OMIM 615369.

Submission:

Labcorp Genetics (formerly Invitae), Labcorp
Classification: Pathogenic for Developmental and epileptic encephalopathy 94. Last evaluated: 2021-08-14. Review status: criteria provided, single submitter. Criteria: Invitae Variant Classification Sherloc (09022015). Collection method: clinical testing. Allele origin: germline.
Comment: For these reasons, this variant has been classified as Pathogenic. This variant has not been reported in the literature in individuals affected with CHD2-related conditions. This variant is not present in population databases (ExAC no frequency). This sequence change creates a premature translational stop signal (p.Trp499Cysfs*7) in the CHD2 gene. It is expected to result in an absent or disrupted protein product. Loss-of-function variants in CHD2 are known to be pathogenic (PMID: 23708187, 24207121).

Literature cited by the submitters: PubMed 23708187; PubMed 24207121.

NM_001271.4(CHD2):c.1497del (p.Trp499fs)

Gene: CHD2 (chromodomain helicase DNA binding protein 2; plus strand). Cytogenetic location: 15q26.1.
Variant type: Deletion.
Coding change: c.1497del on transcript NM_001271.4 (MANE Select); coding-DNA position 1497, one base deleted (G; older notation c.1497delG).
Protein change: p.Trp499fs; shifts the reading frame from tryptophan 499.
Molecular consequence: frameshift variant.
Genome position (GRCh38, 1-based): chr15:92,949,071, G deleted; the last of 2 consecutive G bases (chr15:92,949,070-92,949,071); deleting either gives the same sequence. VCF-style (leftmost placement, unchanged base first): chr15-92949069-TG-T. GRCh37 (hg19) VCF-style: chr15-93492299-TG-T.
Other names: c.1497del, p.Trp499fs (NM_001042572.3); short protein forms W499fs.
Identifiers: ClinVar variation 1448529 (VCV001448529.6), dbSNP rs2141802578, ClinGen allele CA2573151320.